The following is an entry in ClinVar:

ClinVar aggregate classification (germline): Pathogenic. Review status: reviewed by expert panel (3 of 4 stars). 4 submissions from 4 submitters: Pathogenic (1). 3 of the submissions do not count toward it. Last evaluated 2025-11-19.

Conditions:
CYP1B1-related glaucoma with or without anterior segment dysgenesis. Identifiers: MedGen CN375931, MONDO:0800472.
Glaucoma 3, primary infantile, B. Also called: GLAUCOMA, PRIMARY CONGENITAL, TYPE B; GLC3B; GLC3 type B; Primary congenital glaucoma type 3B; Glaucoma primary congenita type 3B. Identifiers: Orphanet 98976, MedGen C1832977, MONDO:0010968, OMIM 600975.
Glaucoma 3A. Also called: Glaucoma 3, primary congenital, A. Identifiers: Orphanet 98976, Orphanet 98977, MedGen C1856439, MONDO:0009277, OMIM 231300.
Anterior segment dysgenesis 6 (ASGD6). Also called: Anterior segment dysgenesis 6, multiple subtypes. Identifiers: MedGen C4310623, MONDO:0015016, OMIM 617315.

gnomAD v4.1: 2 of 1,554,658 alleles (0.00013%); highest among the groups gnomAD compares: Non-Finnish European, 0.00017%; no homozygotes.

Submissions (4):

ClinGen Glaucoma Variant Curation Expert Panel
Classification: Pathogenic for CYP1B1-related glaucoma with or without anterior segment dysgenesis. Last evaluated: 2025-11-19. Review status: reviewed by expert panel. Criteria: ClinGen CYP1B1 ACMG Specifications V1 Approved. Collection method: curation. Allele origin: germline. Inheritance: Autosomal recessive inheritance.
Comment: The c.517G>T variant in CYP1B1 is predicted to cause a change in the length of the protein due to the insertion of a terminating codon instead of the usual Glutamic acid at amino acid 173 (p.Glu173Ter). The highest minor allele frequency of this variant was in the European (non-Finnish) genetic ancestry group of gnomAD (v4.1) = 0.000001736 (2 alleles out of 1,151,750), which met the ≤ 0.0005 threshold set for PM2_Supporting in a genetic ancestry group of at least 2,000 alleles. This nonsense variant was predicted to undergo NMD, meeting PVS1. PS3_Supporting was not applied, as although the OddsPath threshold was met (> 2.1), the threshold for abnormal impact on protein function in the assays could not be determined (PMID: 19234632). This variant has been identified in four individuals with a CYP1B1-related phenotype. These individuals are compound heterozygous for the variant and a pathogenic or likely pathogenic variant (phase unknown) (PMIDs: 23218183, 36343799). Total proband points = 2, meeting PM3_Strong. In summary, this variant met the criteria to receive a score of 13 and to be classified as pathogenic (pathogenic classification ≥ 10, adapted from PMID: 32720330) for CYP1B1-related glaucoma with or without anterior segment dysgenesis (ASD) based on the ACMG/AMP criteria met, as specified by the ClinGen Glaucoma VCEP (v1.0, 06.11.2025): PVS1, PM3_Strong, PM2_Supporting.

Revvity Omics, Revvity
Classification: Pathogenic. Last evaluated: 2025-02-06. Review status: criteria provided, single submitter. Criteria: ACMG Guidelines, 2015. Collection method: clinical testing. Allele origin: germline. Not counted in ClinVar's aggregate classification.

Fulgent Genetics
Classification: Pathogenic for Glaucoma 3A; Glaucoma 3, primary infantile, B; Anterior segment dysgenesis 6. Last evaluated: 2022-02-22. Review status: criteria provided, single submitter. Criteria: ACMG Guidelines, 2015. Collection method: clinical testing. Allele origin: unknown. Not counted in ClinVar's aggregate classification.

Juno Genomics, Hangzhou Juno Genomics, Inc
Classification: Pathogenic for Glaucoma 3A. Review status: criteria provided, single submitter. Criteria: ACMG Guidelines, 2015. Collection method: clinical testing. Allele origin: germline. Not counted in ClinVar's aggregate classification.
Comment: Absent from controls (or at extremely low frequency if recessive) in Genome Aggregation Database.;Null variant in a gene where loss of function (LOF) is a known mechanism of disease.;For recessive disorders, detected in trans with a pathogenic variant.

NM_000104.4(CYP1B1):c.517G>T (p.Glu173Ter)

Gene: CYP1B1 (cytochrome P450 family 1 subfamily B member 1; minus strand). Cytogenetic location: 2p22.2.
Variant type: single nucleotide variant.
Coding change: c.517G>T on transcript NM_000104.4 (MANE Select); coding-DNA position 517, G replaced by T.
Protein change: p.Glu173Ter; replaces glutamic acid 173 with a stop codon.
Molecular consequence: nonsense.
Genome position (GRCh38, 1-based): chr2:38,074,872, C>A on the plus strand (G>T on the coding strand, the complement: CYP1B1 is on the minus strand). VCF-style: chr2-38074872-C-A. GRCh37 (hg19) VCF-style: chr2-38302015-C-A.
Other names: NM_000104.4(CYP1B1):c.517G>T; p.Glu173Ter; short protein forms E173*.
Identifiers: ClinVar variation 1322184 (VCV001322184.7), dbSNP rs72481807, ClinGen allele CA346329080.
Genomic context (GRCh38, chr2:38,074,872, plus strand): 5'-GGTCGAGGAAGGCGCCGTCCGCGCTGCCGCGCACCAGCAGCGCCACCAGCTCGCGCGCCT[C>A]GCTCAGCACGTGGCCCTCGAGGACTTGGCGGCTGCGCGGCTGGCGCGTGAAGAAGTTGCG-3'